The following is an entry in ClinVar:

ClinVar aggregate classification (germline): Uncertain significance. Review status: criteria provided, multiple submitters, no conflicts (2 of 4 stars). 2 submissions from 2 submitters: Uncertain significance (2). Last evaluated 2024-11-30.

Conditions:
Legius syndrome. Identifiers: Orphanet 137605, MedGen C1969623, MONDO:0012669, OMIM 611431. Disease mechanism: loss of function.
Cardiovascular phenotype. Identifiers: MedGen CN230736.

Allele frequency attached by ClinVar (database versions not stated): gnomAD exomes below 0.00001; ExAC 0.00001.
gnomAD v4.1: 2 of 1,614,114 alleles (0.00012%); highest among the groups gnomAD compares: Admixed American, 0.0033%; no homozygotes.

Submissions (2):

Ambry Genetics
Classification: Uncertain significance for Cardiovascular phenotype. Last evaluated: 2024-11-30. Review status: criteria provided, single submitter. Criteria: Ambry Variant Classification Scheme 2023. Collection method: clinical testing. Allele origin: germline.
Comment: The p.I359N variant (also known as c.1076T>A), located in coding exon 7 of the SPRED1 gene, results from a T to A substitution at nucleotide position 1076. The isoleucine at codon 359 is replaced by asparagine, an amino acid with dissimilar properties. This amino acid position is conserved. In addition, the in silico prediction for this alteration is inconclusive. Based on the available evidence, the clinical significance of this variant remains unclear.

Labcorp Genetics (formerly Invitae), Labcorp
Classification: Uncertain significance for Legius syndrome. Last evaluated: 2017-07-13. Review status: criteria provided, single submitter. Criteria: Invitae Variant Classification Sherloc (09022015). Collection method: clinical testing. Allele origin: germline.
Comment: In summary, this variant is a rare missense change with uncertain impact on protein function. There is no indication that it causes disease, but the available evidence is currently insufficient to prove that conclusively. Therefore, it has been classified as a Variant of Uncertain Significance. Algorithms developed to predict the effect of missense changes on protein structure and function (SIFT, PolyPhen-2, Align-GVGD) all suggest that this variant is likely to be disruptive, but these predictions have not been confirmed by published functional studies. This variant is present in population databases (rs763738243, ExAC 0.009%) but has not been reported in the literature in individuals with a SPRED1-related disease. This sequence change replaces isoleucine with asparagine at codon 359 of the SPRED1 protein (p.Ile359Asn). The isoleucine residue is moderately conserved and there is a large physicochemical difference between isoleucine and asparagine.

NM_152594.3(SPRED1):c.1076T>A (p.Ile359Asn)

Gene: SPRED1 (sprouty related EVH1 domain containing 1; plus strand). Cytogenetic location: 15q14.
Variant type: single nucleotide variant.
Coding change: c.1076T>A on transcript NM_152594.3 (MANE Select); coding-DNA position 1076, T replaced by A.
Protein change: p.Ile359Asn; replaces isoleucine 359 with asparagine.
Molecular consequence: missense variant.
Genome position (GRCh38, 1-based): chr15:38,351,405, T>A. VCF-style: chr15-38351405-T-A. GRCh37 (hg19) VCF-style: chr15-38643606-T-A.
Other names: short protein forms I359N.
Identifiers: ClinVar variation 468787 (VCV000468787.10), dbSNP rs763738243, ClinGen allele CA7470226.
Genomic context (GRCh38, chr15:38,351,405, plus strand): 5'-AGGAAAGGTTTAATCATGAAGAAAATGTTAGGGGAAAATGTCAGGATGCTCCAGACCCTA[T>A]TAAAAGATGCATATATCAAGTTAGTTGCATGCTCTGTGCAGAGAGCATGTTGTATCATTG-3'
Protein context (NP_689807.1, residues 349-369): RGKCQDAPDP[Ile359Asn]KRCIYQVSCM